The following is an entry in ClinVar:

ClinVar aggregate classification (germline): Uncertain significance (1 of 4 stars; one submission).

gnomAD v4.1: 1 of 1,614,064 alleles (0.000062%); no homozygotes.

Submission:

Labcorp Genetics (formerly Invitae), Labcorp
Classification: Uncertain significance. Last evaluated: 2021-06-19. Review status: criteria provided, single submitter. Criteria: Invitae Variant Classification Sherloc (09022015). Collection method: clinical testing. Allele origin: germline.
Comment: Algorithms developed to predict the effect of missense changes on protein structure and function are either unavailable or do not agree on the potential impact of this missense change (SIFT: "Deleterious"; PolyPhen-2: "Probably Damaging"; Align-GVGD: "Class C0"). This sequence change replaces proline with histidine at codon 170 of the RTN4IP1 protein (p.Pro170His). The proline residue is highly conserved and there is a moderate physicochemical difference between proline and histidine. This variant is not present in population databases (ExAC no frequency). This variant has not been reported in the literature in individuals with RTN4IP1-related conditions. In summary, the available evidence is currently insufficient to determine the role of this variant in disease. Therefore, it has been classified as a Variant of Uncertain Significance.

NM_032730.5(RTN4IP1):c.509C>A (p.Pro170His)

Gene: RTN4IP1 (reticulon 4 interacting protein 1; minus strand). Cytogenetic location: 6q21.
Variant type: single nucleotide variant.
Coding change: c.509C>A on transcript NM_032730.5 (MANE Select); coding-DNA position 509, C replaced by A.
Protein change: p.Pro170His; replaces proline 170 with histidine.
Molecular consequence: missense variant.
Genome position (GRCh38, 1-based): chr6:106,619,313, G>T on the plus strand (C>A on the coding strand, the complement: RTN4IP1 is on the minus strand). VCF-style: chr6-106619313-G-T. GRCh37 (hg19) VCF-style: chr6-107067188-G-T.
Other names: c.209C>A, p.Pro70His (NM_001318746.1); short protein forms P70H, P170H.
Identifiers: ClinVar variation 1484964 (VCV001484964.8), dbSNP rs2114677054, ClinGen allele CA365163883.